The following is an entry in ClinVar:

NM_199242.3(UNC13D):c.1486C>T (p.Gln496Ter)

Gene: UNC13D (unc-13 homolog D; minus strand). Cytogenetic location: 17q25.1.
Variant type: single nucleotide variant.
Coding change: c.1486C>T on transcript NM_199242.3 (MANE Select); coding-DNA position 1486, C replaced by T.
Protein change: p.Gln496Ter; replaces glutamine 496 with a stop codon.
Molecular consequence: nonsense.
Genome position (GRCh38, 1-based): chr17:75,836,070, G>A on the plus strand (C>T on the coding strand, the complement: UNC13D is on the minus strand). VCF-style: chr17-75836070-G-A. GRCh37 (hg19) VCF-style: chr17-73832151-G-A.
Other names: short protein forms Q496*.
Identifiers: ClinVar variation 2843768 (VCV002843768.3), dbSNP rs1462252996, ClinGen allele CA401097821.
Genomic context (GRCh38, chr17:75,836,070, plus strand): 5'-ACTTGTGGAAGATCTTGTCCCATGTGCGCTGGCACTGGTGCAGGTCGCCAATGACATCCT[G>A]TACCAGGCCCAGCAAGGCCTTGCCTGCCTCCGGGATGCCCTGCAGAGACAGAGGTGGGCT-3'

ClinVar aggregate classification (germline): Pathogenic (1 of 4 stars; one submission).

Conditions:
Familial hemophagocytic lymphohistiocytosis 3 (FHL3). Also called: UNC13D-Related Familial Hemophagocytic Lymphohistiocytosis (UNC13D-fHLH). Identifiers: Orphanet 540, MedGen C1837174, MONDO:0012146, OMIM 608898.

Allele frequency attached by ClinVar (database versions not stated): gnomAD exomes below 0.00001; TOPMed below 0.00001; gnomAD 0.00001.
gnomAD v4.1: 3 of 1,613,696 alleles (0.00019%); highest among the groups gnomAD compares: East Asian, 0.0045%; no homozygotes.

Submission:

Labcorp Genetics (formerly Invitae), Labcorp
Classification: Pathogenic for Familial hemophagocytic lymphohistiocytosis 3. Last evaluated: 2023-10-13. Review status: criteria provided, single submitter. Criteria: Invitae Variant Classification Sherloc (09022015). Collection method: clinical testing. Allele origin: germline.
Comment: This sequence change creates a premature translational stop signal (p.Gln496*) in the UNC13D gene. It is expected to result in an absent or disrupted protein product. Loss-of-function variants in UNC13D are known to be pathogenic (PMID: 14622600). This variant is not present in population databases (gnomAD no frequency). This variant has not been reported in the literature in individuals affected with UNC13D-related conditions. For these reasons, this variant has been classified as Pathogenic.

Literature cited by the submitters: PubMed 14622600.